The following is an entry in ClinVar:

ClinVar aggregate classification (germline): Uncertain significance (1 of 4 stars; one submission).

Submission:

Ambry Genetics
Classification: Uncertain significance. Last evaluated: 2024-12-19. Review status: criteria provided, single submitter. Criteria: Ambry Variant Classification Scheme 2023. Collection method: clinical testing. Allele origin: germline.
Comment: The p.E1248D variant (also known as c.3744G>C), located in coding exon 16 of the WNK2 gene, results from a G to C substitution at nucleotide position 3744. The glutamic acid at codon 1248 is replaced by aspartic acid, an amino acid with highly similar properties. This amino acid position is conserved. In addition, this alteration is predicted to be tolerated by in silico analysis. Based on the available evidence, the clinical significance of this variant remains unclear.

NM_006648.4(WNK2):c.3744G>C (p.Glu1248Asp)

Gene: WNK2 (WNK lysine deficient protein kinase 2; plus strand). Cytogenetic location: 9q22.31.
Variant type: single nucleotide variant.
Coding change: c.3744G>C on transcript NM_006648.4 (MANE Select); coding-DNA position 3744, G replaced by C.
Protein change: p.Glu1248Asp; replaces glutamic acid 1248 with aspartic acid.
Molecular consequence: missense variant.
Genome position (GRCh38, 1-based): chr9:93,267,793, G>C. VCF-style: chr9-93267793-G-C. GRCh37 (hg19) VCF-style: chr9-96030075-G-C.
Other names: c.3744G>C, p.Glu1248Asp (NM_001282394.3); short protein forms E1248D.
Identifiers: ClinVar variation 3816534 (VCV003816534.1).